The following is an entry in ClinVar:

NM_003072.5(SMARCA4):c.2409T>C (p.Asn803=)

Gene: SMARCA4 (SWI/SNF related BAF chromatin remodeling complex subunit ATPase 4; plus strand). Cytogenetic location: 19p13.2.
Variant type: single nucleotide variant.
Coding change: c.2409T>C on transcript NM_003072.5 (MANE Select); coding-DNA position 2409, T replaced by C.
Protein change: p.Asn803=; no amino-acid change (asparagine 803 retained).
Molecular consequence: synonymous variant. On other transcripts: non-coding transcript variant (1).
Genome position (GRCh38, 1-based): chr19:11,013,083, T>C. VCF-style: chr19-11013083-T-C. GRCh37 (hg19) VCF-style: chr19-11123759-T-C.
Other names: c.2409T>C, p.Asn803= (NM_001128844.3, NM_001128845.2, NM_001128846.2 and 5 more transcripts).
Identifiers: ClinVar variation 238404 (VCV000238404.50), dbSNP rs199634608, ClinGen allele CA9204096.
Genomic context (GRCh38, chr19:11,013,083, plus strand): 5'-GGGGAAGACCATCCAGACCATCGCGCTCATCACGTACCTCATGGAGCACAAACGCATCAA[T>C]GGGCCCTTCCTCATCATCGTGCCTCTCTCGTGAGTACCCGCTGCCAGCAACATCCCACAC-3'
Protein context (NP_003063.2, residues 793-813): ITYLMEHKRI[Asn803=]GPFLIIVPLS

ClinVar aggregate classification (germline): Benign/Likely benign. Review status: criteria provided, multiple submitters, no conflicts (2 of 4 stars). 11 submissions from 11 submitters: Benign (6); Likely benign (5). Last evaluated 2026-07-13.

Conditions:
Coffin-Siris syndrome. Identifiers: Orphanet 1465, MedGen C0265338, MONDO:0015452.
Hereditary cancer-predisposing syndrome. Also called: Hereditary Cancer Syndrome; Tumor predisposition; Hereditary neoplastic syndrome; Neoplastic Syndromes, Hereditary. Identifiers: Orphanet 140162, MedGen C0027672, MeSH D009386, MONDO:0015356.
Intellectual disability, autosomal dominant 16 (CSS4). Also called: COFFIN-SIRIS SYNDROME 4. Identifiers: Orphanet 1465, MedGen C3553249, MONDO:0013821, OMIM 614609.
Rhabdoid tumor predisposition syndrome 2 (RTPS2). Identifiers: Orphanet 231108, Orphanet 69077, MedGen C2750074, MONDO:0013224, OMIM 613325.

Allele frequency attached by ClinVar (database versions not stated): TOPMed 0.00013; ExAC 0.00014; ESP Exome Variant Server 0.00023; gnomAD 0.00012 and 0.00011; gnomAD exomes 0.00016 and 0.00032.
gnomAD v4.1: 475 of 1,614,076 alleles (0.029%); highest among the groups gnomAD compares: Middle Eastern, 0.31%; no homozygotes.

Submissions (11):

Myriad Genetics, Inc.
Classification: Benign for Rhabdoid tumor predisposition syndrome 2. Last evaluated: 2026-07-13. Review status: criteria provided, single submitter. Criteria: Myriad Autosomal Dominant, Autosomal Recessive and X-Linked Classification Criteria (2023). Collection method: clinical testing. Allele origin: unknown.
Comment: This variant is considered benign. This variant is a silent/synonymous amino acid change and it is not expected to impact splicing.

Labcorp Genetics (formerly Invitae), Labcorp
Classification: Benign for Rhabdoid tumor predisposition syndrome 2. Last evaluated: 2026-01-27. Review status: criteria provided, single submitter. Criteria: Invitae Variant Classification Sherloc (09022015). Collection method: clinical testing. Allele origin: germline.

CeGaT Center for Human Genetics Tuebingen
Classification: Likely benign. Last evaluated: 2025-10-01. Review status: criteria provided, single submitter. Criteria: CeGaT Center For Human Genetics Tuebingen Variant Classification Criteria Version 2. Collection method: clinical testing. Allele origin: germline. Affected: yes. Observed: 8 variant alleles.
Comment: SMARCA4: BP4, BP7

Blueprint Genetics
Classification: Likely benign. Last evaluated: 2024-10-08. Review status: criteria provided, single submitter. Criteria: ACMG Guidelines, 2015. Collection method: clinical testing. Allele origin: germline.

Quest Diagnostics Nichols Institute San Juan Capistrano
Classification: Benign. Last evaluated: 2022-12-21. Review status: criteria provided, single submitter. Criteria: Quest Diagnostics criteria. Collection method: clinical testing. Allele origin: unknown.

Genome-Nilou Lab
Classification: Benign for Intellectual disability, autosomal dominant 16. Last evaluated: 2021-07-15. Review status: criteria provided, single submitter. Criteria: ACMG Guidelines, 2015. Collection method: clinical testing. Allele origin: germline. Affected: no.

GeneDx
Classification: Likely benign. Last evaluated: 2021-04-20. Review status: criteria provided, single submitter. Criteria: GeneDx Variant Classification Process June 2021. Collection method: clinical testing. Allele origin: germline. Affected: yes.

Sema4
Classification: Benign for Hereditary cancer-predisposing syndrome. Last evaluated: 2020-08-17. Review status: criteria provided, single submitter. Criteria: Sema4 Curation Guidelines. Collection method: curation. Allele origin: germline.

Genetic Services Laboratory, University of Chicago
Classification: Likely benign. Last evaluated: 2018-02-10. Review status: criteria provided, single submitter. Criteria: ACMG Guidelines, 2015. Collection method: clinical testing. Allele origin: germline. Affected: no.

Illumina Laboratory Services, Illumina
Classification: Benign for Coffin-Siris syndrome. Last evaluated: 2018-01-13. Review status: criteria provided, single submitter. Criteria: ICSL Variant Classification Criteria 13 December 2019. Collection method: clinical testing. Allele origin: germline.
Comment: This variant was observed in the ICSL laboratory as part of a predisposition screen in an ostensibly healthy population. It had not been previously curated by ICSL or reported in the Human Gene Mutation Database (HGMD: prior to June 1st, 2018), and was therefore a candidate for classification through an automated scoring system. Utilizing variant allele frequency, disease prevalence and penetrance estimates, and inheritance mode, an automated score was calculated to assess if this variant is too frequent to cause the disease. Based on the score and internal cut-off values, a variant classified as benign is not then subjected to further curation. The score for this variant resulted in a classification of benign for this disease.

Ambry Genetics
Classification: Likely benign for Hereditary cancer-predisposing syndrome. Last evaluated: 2015-06-30. Review status: criteria provided, single submitter. Criteria: Ambry Variant Classification Scheme 2023. Collection method: clinical testing. Allele origin: germline.